The following is an entry in ClinVar:

NM_000465.4(BARD1):c.1065A>G (p.Glu355=)

Gene: BARD1 (BRCA1 associated RING domain 1; minus strand). Cytogenetic location: 2q35.
Variant type: single nucleotide variant.
Coding change: c.1065A>G on transcript NM_000465.4 (MANE Select); coding-DNA position 1065, A replaced by G.
Protein change: p.Glu355=; no amino-acid change (glutamic acid 355 retained).
Molecular consequence: synonymous variant. On other transcripts: non-coding transcript variant (2), intron variant (3).
Genome position (GRCh38, 1-based): chr2:214,780,809, T>C on the plus strand (A>G on the coding strand, the complement: BARD1 is on the minus strand). VCF-style: chr2-214780809-T-C. GRCh37 (hg19) VCF-style: chr2-215645533-T-C.
Other names: c.1008A>G, p.Glu336= (NM_001282543.2); c.159-28254A>G (NM_001282548.2); c.215+16252A>G (NM_001282545.2); c.364+11488A>G (NM_001282549.2); c.1065A>G (NM_000465.2).
Identifiers: ClinVar variation 530247 (VCV000530247.13), dbSNP rs1553622270, ClinGen allele CA431390475.

ClinVar aggregate classification (germline): Benign/Likely benign. Review status: criteria provided, multiple submitters, no conflicts (2 of 4 stars). 3 submissions from 3 submitters: Benign (1); Likely benign (2). Last evaluated 2025-11-29.

Conditions:
Hereditary cancer-predisposing syndrome. Also called: Hereditary neoplastic syndrome; Neoplastic Syndromes, Hereditary; Hereditary Cancer Syndrome; Tumor predisposition. Identifiers: Orphanet 140162, MedGen C0027672, MeSH D009386, MONDO:0015356.
Familial cancer of breast. Also called: BREAST CANCER, FAMILIAL; Hereditary breast cancer; hereditary breast carcinoma. Identifiers: Orphanet 227535, MedGen C0346153, MONDO:0016419, OMIM 114480. Disease mechanism: loss of function.

Allele frequency attached by ClinVar (database versions not stated): gnomAD exomes below 0.00001.
gnomAD v4.1: 1 of 1,614,124 alleles (0.000062%); highest among the groups gnomAD compares: East Asian, 0.0022%; no homozygotes.

Submissions (3):

Ambry Genetics
Classification: Likely benign for Hereditary cancer-predisposing syndrome. Last evaluated: 2025-11-29. Review status: criteria provided, single submitter. Criteria: Ambry Variant Classification Scheme 2023. Collection method: clinical testing. Allele origin: germline.

Myriad Genetics, Inc.
Classification: Benign for Familial cancer of breast. Last evaluated: 2024-07-24. Review status: criteria provided, single submitter. Criteria: Myriad Autosomal Dominant, Autosomal Recessive and X-Linked Classification Criteria (2023). Collection method: clinical testing. Allele origin: unknown.
Comment: This variant is considered benign. This variant is a silent/synonymous amino acid change and it is not expected to impact splicing.

Labcorp Genetics (formerly Invitae), Labcorp
Classification: Likely benign for Familial cancer of breast. Last evaluated: 2022-05-27. Review status: criteria provided, single submitter. Criteria: Invitae Variant Classification Sherloc (09022015). Collection method: clinical testing. Allele origin: germline.